The following is an entry in ClinVar:

NM_015450.3(POT1):c.1884del (p.Val629fs)

Gene: POT1 (protection of telomeres 1; minus strand). Cytogenetic location: 7q31.33.
Variant type: Deletion.
Coding change: c.1884del on transcript NM_015450.3 (MANE Select); coding-DNA position 1884, one base deleted (A; older notation c.1884delA).
Protein change: p.Val629fs; shifts the reading frame from valine 629.
Molecular consequence: frameshift variant. On other transcripts: non-coding transcript variant (3).
Genome position (GRCh38, 1-based): chr7:124,823,983, T deleted on the plus strand (A on the coding strand, the reverse complement: POT1 is on the minus strand). VCF-style (leftmost placement, unchanged base first): chr7-124823982-CT-C. GRCh37 (hg19) VCF-style: chr7-124464036-CT-C.
Other names: c.1491del, p.Val498fs (NM_001042594.2); short protein forms V498fs, V629fs.
Identifiers: ClinVar variation 1781948 (VCV001781948.3), dbSNP rs2485332689, ClinGen allele CA2580076410.

ClinVar aggregate classification (germline): Uncertain significance (1 of 4 stars; one submission).

Conditions:
Hereditary cancer-predisposing syndrome. Also called: Neoplastic Syndromes, Hereditary; Tumor predisposition; Hereditary Cancer Syndrome; Hereditary neoplastic syndrome. Identifiers: Orphanet 140162, MedGen C0027672, MeSH D009386, MONDO:0015356.

Submission:

Ambry Genetics
Classification: Uncertain significance for Hereditary cancer-predisposing syndrome. Last evaluated: 2025-07-24. Review status: criteria provided, single submitter. Criteria: Ambry Variant Classification Scheme 2023. Collection method: clinical testing. Allele origin: germline.
Comment: The c.1884delA variant, located in coding exon 15 of the POT1 gene, results from a deletion of one nucleotide at nucleotide position 1884, causing a translational frameshift with a predicted alternate stop codon (p.V629Lfs*5). Frameshifts are typically deleterious in nature, however, this frameshift occurs at the 3' terminus of POT1, is not expected to trigger nonsense-mediated mRNA decay, and impacts only the last 6 amino acids of the protein. The exact functional impact of these altered amino acids is unknown at this time. Since supporting evidence is limited at this time, the clinical significance of this alteration remains unclear.